The following is an entry in ClinVar:

NM_152703.5(SAMD9L):c.4547dup (p.Asn1516fs)

Gene: SAMD9L (sterile alpha motif domain containing 9 like; minus strand). Cytogenetic location: 7q21.2.
Variant type: Duplication.
Coding change: c.4547dup on transcript NM_152703.5 (MANE Select); coding-DNA position 4547, one base duplicated (A; older notation c.4547dupA).
Protein change: p.Asn1516fs; shifts the reading frame from asparagine 1516.
Molecular consequence: frameshift variant.
Genome position (GRCh38, 1-based): chr7:93,131,425, T duplicated on the plus strand (A on the coding strand, the reverse complement: SAMD9L is on the minus strand); the first of 8 consecutive T bases (chr7:93,131,425-93,131,432); duplicating any one gives the same sequence. VCF-style (leftmost placement, unchanged base first): chr7-93131424-A-AT. GRCh37 (hg19) VCF-style: chr7-92760737-A-AT.
Other names: c.4547dup, p.Asn1516fs (NM_001303496.3, NM_001303497.3, NM_001303498.3 and 5 more transcripts); short protein forms N1516fs.
Identifiers: ClinVar variation 3377564 (VCV003377564.1).
Genomic context (GRCh38, chr7:93,131,424, plus strand): 5'-TACAGAGATTAGCTTGCCTTCAGCCTGACCAGTTAGACGACGCAGGAGGTCTTTGACTTC[A>AT]TTTTTTTTCCACACATCCCCACTGTGCCAGAGGGAATTTGTATTTTGTGCTTTATCAAAG-3'

ClinVar aggregate classification (germline): Uncertain significance (1 of 4 stars; one submission).

Conditions:
Ataxia-pancytopenia syndrome (ATXPC). Also called: SAMD9L Ataxia-Pancytopenia Syndrome; SAMD9L-Related Syndrome. Identifiers: Orphanet 2585, MedGen C1327919, MONDO:0008038, OMIM 159550.

Submission:

Neuberg Centre For Genomic Medicine, NCGM
Classification: Uncertain significance for Ataxia-pancytopenia syndrome. Last evaluated: 2023-06-22. Review status: criteria provided, single submitter. Criteria: ACMG Guidelines, 2015. Collection method: clinical testing. Allele origin: germline. Inheritance: Autosomal dominant inheritance. Affected: yes.
Comment: The frameshift c.4547dup (p.Asn1516LysfsTer2) variant in the SAMD9L has not been reported previously as a pathogenic variant nor as a benign variant, to our knowledge. This variant is reported with the allele frequency (0.001%) in the gnomAD Exomes. This variant causes a frameshift starting with codon Asparagine 1516, changes this amino acid to Lysine residue, and creates a premature Stop codon at position 2 of the new reading frame, denoted p.Asn1516LysfsTer2. This variant is predicted to cause loss of normal protein function through protein truncation. Loss of function variants have been previously reported to be disease causing. The variant is in the last exon, hence further studies are required to prove the pathogenicity of the variant. For these reasons, this variant has been classified as Uncertain Significance.